The following is an entry in ClinVar:

NM_003482.4(KMT2D):c.10267C>T (p.Pro3423Ser)

Gene: KMT2D (lysine methyltransferase 2D; minus strand). Cytogenetic location: 12q13.12.
Variant type: single nucleotide variant.
Coding change: c.10267C>T on transcript NM_003482.4 (MANE Select); coding-DNA position 10267, C replaced by T.
Protein change: p.Pro3423Ser; replaces proline 3423 with serine.
Molecular consequence: missense variant.
Genome position (GRCh38, 1-based): chr12:49,034,900, G>A on the plus strand (C>T on the coding strand, the complement: KMT2D is on the minus strand). VCF-style: chr12-49034900-G-A. GRCh37 (hg19) VCF-style: chr12-49428683-G-A.
Other names: short protein forms P3423S.
Identifiers: ClinVar variation 5023389 (VCV005023389.1).

ClinVar aggregate classification (germline): Uncertain significance (1 of 4 stars; one submission).

Conditions:
Inborn genetic diseases. Identifiers: MedGen C0950123, MeSH D030342.

gnomAD v4.1: 4 of 1,613,864 alleles (0.00025%); highest among the groups gnomAD compares: African/African-American, 0.0013%; no homozygotes.

Submission:

Ambry Genetics
Classification: Uncertain significance for Inborn genetic diseases. Last evaluated: 2026-07-14. Review status: criteria provided, single submitter. Criteria: Ambry Variant Classification Scheme 2023. Collection method: clinical testing. Allele origin: germline.
Comment: The c.10267C>T (p.P3423S) alteration is located in exon 35 (coding exon 35) of the KMT2D gene. This alteration results from a C to T substitution at nucleotide position 10267, causing the proline (P) at amino acid position 3423 to be replaced by a serine (S). Based on data from gnomAD, the T allele has an overall frequency of <0.001% (1/249276) total alleles studied. The highest observed frequency was 0.001% (1/113026) of European (non-Finnish) alleles. Based on insufficient or conflicting evidence, the clinical significance of this alteration remains unclear.